The following is an entry in ClinVar:

NM_000702.4(ATP1A2):c.1103C>T (p.Thr368Met)

Gene: ATP1A2 (ATPase Na+/K+ transporting subunit alpha 2; plus strand). Cytogenetic location: 1q23.2.
Variant type: single nucleotide variant.
Coding change: c.1103C>T on transcript NM_000702.4 (MANE Select); coding-DNA position 1103, C replaced by T.
Protein change: p.Thr368Met; replaces threonine 368 with methionine.
Molecular consequence: missense variant.
Genome position (GRCh38, 1-based): chr1:160,128,737, C>T. VCF-style: chr1-160128737-C-T. GRCh37 (hg19) VCF-style: chr1-160098527-C-T.
Other names: short protein forms T368M.
Identifiers: ClinVar variation 1349197 (VCV001349197.6), dbSNP rs746383817, ClinGen allele CA1194371.

ClinVar aggregate classification (germline): Likely pathogenic (1 of 4 stars; one submission).

Conditions:
Familial hemiplegic migraine. Identifiers: MedGen C0338484, MONDO:0000700.

Allele frequency attached by ClinVar (database versions not stated): gnomAD exomes below 0.00001; ExAC 0.00001.
gnomAD v4.1: 6 of 1,614,168 alleles (0.00037%); highest among the groups gnomAD compares: East Asian, 0.0022%; no homozygotes.

Submission:

Labcorp Genetics (formerly Invitae), Labcorp
Classification: Likely pathogenic for Familial hemiplegic migraine. Last evaluated: 2024-11-03. Review status: criteria provided, single submitter. Criteria: Invitae Variant Classification Sherloc (09022015). Collection method: clinical testing. Allele origin: germline.
Comment: This sequence change replaces threonine, which is neutral and polar, with methionine, which is neutral and non-polar, at codon 368 of the ATP1A2 protein (p.Thr368Met). This variant is present in population databases (rs746383817, gnomAD 0.006%). This variant has not been reported in the literature in individuals affected with ATP1A2-related conditions. ClinVar contains an entry for this variant (Variation ID: 1349197). Invitae Evidence Modeling of protein sequence and biophysical properties (such as structural, functional, and spatial information, amino acid conservation, physicochemical variation, residue mobility, and thermodynamic stability) indicates that this missense variant is expected to disrupt ATP1A2 protein function with a positive predictive value of 80%. This variant disrupts the p.Thr368 amino acid residue in ATP1A2. Other variant(s) that disrupt this residue have been determined to be pathogenic (PMID: 20837964). This suggests that this residue is clinically significant, and that variants that disrupt this residue are likely to be disease-causing. In summary, the currently available evidence indicates that the variant is pathogenic, but additional data are needed to prove that conclusively. Therefore, this variant has been classified as Likely Pathogenic.

Literature cited by the submitters: PubMed 20837964.